The following is an entry in ClinVar:

NM_032043.3(BRIP1):c.1916A>G (p.His639Arg)

Gene: BRIP1 (BRCA1 interacting DNA helicase 1; minus strand). Cytogenetic location: 17q23.2.
Variant type: single nucleotide variant.
Coding change: c.1916A>G on transcript NM_032043.3 (MANE Select); coding-DNA position 1916, A replaced by G.
Protein change: p.His639Arg; replaces histidine 639 with arginine.
Molecular consequence: missense variant.
Genome position (GRCh38, 1-based): chr17:61,780,280, T>C on the plus strand (A>G on the coding strand, the complement: BRIP1 is on the minus strand). VCF-style: chr17-61780280-T-C. GRCh37 (hg19) VCF-style: chr17-59857641-T-C.
Other names: short protein forms H639R.
Identifiers: ClinVar variation 647252 (VCV000647252.14), dbSNP rs1603333030, ClinGen allele CA400479218.

ClinVar aggregate classification (germline): Uncertain significance. Review status: criteria provided, multiple submitters, no conflicts (2 of 4 stars). 2 submissions from 2 submitters: Uncertain significance (2). Last evaluated 2019-08-08.

Conditions:
Familial cancer of breast. Also called: hereditary breast carcinoma; BREAST CANCER, FAMILIAL; Hereditary breast cancer. Identifiers: Orphanet 227535, MedGen C0346153, MONDO:0016419, OMIM 114480. Disease mechanism: loss of function.
Fanconi anemia complementation group J. Also called: BRIP1-Related Fanconi Anemia. Identifiers: Orphanet 84, MedGen C1836860, MONDO:0012187, OMIM 609054.
Hereditary cancer-predisposing syndrome. Also called: Hereditary Cancer Syndrome; Tumor predisposition; Neoplastic Syndromes, Hereditary; Hereditary neoplastic syndrome. Identifiers: Orphanet 140162, MedGen C0027672, MeSH D009386, MONDO:0015356.

Allele frequency attached by ClinVar (database versions not stated): gnomAD exomes below 0.00001.
gnomAD v4.1: 3 of 1,612,586 alleles (0.00019%); highest among the groups gnomAD compares: Non-Finnish European, 0.00025%; no homozygotes.

Submissions (2):

Ambry Genetics
Classification: Uncertain significance for Hereditary cancer-predisposing syndrome. Last evaluated: 2019-08-08. Review status: criteria provided, single submitter. Criteria: Ambry Variant Classification Scheme 2023. Collection method: clinical testing. Allele origin: germline.
Comment: The p.H639R variant (also known as c.1916A>G), located in coding exon 12 of the BRIP1 gene, results from an A to G substitution at nucleotide position 1916. The histidine at codon 639 is replaced by arginine, an amino acid with highly similar properties. This amino acid position is highly conserved in available vertebrate species. In addition, this alteration is predicted to be deleterious by in silico analysis. Since supporting evidence is limited at this time, the clinical significance of this alteration remains unclear.

Labcorp Genetics (formerly Invitae), Labcorp
Classification: Uncertain significance for Familial cancer of breast; Fanconi anemia complementation group J. Last evaluated: 2018-07-20. Review status: criteria provided, single submitter. Criteria: Invitae Variant Classification Sherloc (09022015). Collection method: clinical testing. Allele origin: germline.
Comment: Algorithms developed to predict the effect of missense changes on protein structure and function are either unavailable or do not agree on the potential impact of this missense change (SIFT: "Deleterious"; PolyPhen-2: "Probably Damaging"; Align-GVGD: "Class C0"). This variant has not been reported in the literature in individuals with BRIP1-related disease. This variant is not present in population databases (ExAC no frequency). This sequence change replaces histidine with arginine at codon 639 of the BRIP1 protein (p.His639Arg). The histidine residue is highly conserved and there is a small physicochemical difference between histidine and arginine. In summary, the available evidence is currently insufficient to determine the role of this variant in disease. Therefore, it has been classified as a Variant of Uncertain Significance.